The following is an entry in ClinVar:

ClinVar aggregate classification (germline): Conflicting classifications of pathogenicity. Review status: criteria provided, conflicting classifications (1 of 4 stars). 8 submissions from 8 submitters: Uncertain significance (7); Benign (1). Last evaluated 2025-12-31.

Conditions:
Maturity-onset diabetes of the young (MODY). Also called: Maturity onset diabetes mellitus in young. Identifiers: Orphanet 552, MedGen C0342276, MONDO:0018911, HP:0004904.
HNF1B-related disorder. Also called: HNF1B-related condition; HNF1B-related disorders.
Type 2 diabetes mellitus. Also called: Type II diabetes mellitus. Identifiers: MedGen C0011860, MeSH D003924, MONDO:0005148, OMIM 125853, HP:0005978.
Renal cysts and diabetes syndrome (RCAD). Also called: Familial hypoplastic, glomerulocystic kidney; MATURITY-ONSET DIABETES OF THE YOUNG, TYPE 5. Identifiers: Orphanet 93111, MedGen C0431693, MONDO:0007669, OMIM 137920.
Nonpapillary renal cell carcinoma. Identifiers: Orphanet 422526, MedGen CN074294, MONDO:0007763, OMIM 144700.

Allele frequency attached by ClinVar (database versions not stated): gnomAD exomes 0.00001; TOPMed 0.00003; ExAC 0.00005; gnomAD 0.00005; 1000 Genomes Project 30x 0.00016; 1000 Genomes Project 0.00020.
gnomAD v4.1: 29 of 1,614,224 alleles (0.0018%); highest among the groups gnomAD compares: East Asian, 0.049%; no homozygotes.

Submissions (8):

PreventionGenetics, part of Exact Sciences
Classification: Uncertain significance for HNF1B-related condition. Last evaluated: 2025-12-31. Review status: criteria provided, single submitter. Criteria: ACMG Guidelines, 2015. Collection method: clinical testing. Allele origin: germline.
Comment: The HNF1B c.780G>C variant is predicted to result in the amino acid substitution p.Glu260Asp. This variant has been reported in patients with variable renal phenotypes or diabetes (So et al. 2003. PubMed ID: 14583183; Wang et al. 2012. PubMed ID: 22051731; Wopperer et al. 2022. PubMed ID: 35643372; Supplementary Table 3, Liu et al. 2022. PubMed ID: 36549658). However, this variant is also reported in 0.10% of alleles in individuals of East Asian descent in gnomAD. At this time, the clinical significance of this variant is uncertain due to the absence of conclusive functional and genetic evidence.

Ambry Genetics
Classification: Uncertain significance for Maturity-onset diabetes of the young. Last evaluated: 2025-06-13. Review status: criteria provided, single submitter. Criteria: Ambry Variant Classification Scheme 2023. Collection method: clinical testing. Allele origin: germline.

Labcorp Genetics (formerly Invitae), Labcorp
Classification: Uncertain significance. Last evaluated: 2025-04-23. Review status: criteria provided, single submitter. Criteria: Invitae Variant Classification Sherloc (09022015). Collection method: clinical testing. Allele origin: germline.
Comment: This sequence change replaces glutamic acid, which is acidic and polar, with aspartic acid, which is acidic and polar, at codon 260 of the HNF1B protein (p.Glu260Asp). This variant is present in population databases (rs536638039, gnomAD 0.1%), and has an allele count higher than expected for a pathogenic variant. This missense change has been observed in individual(s) with clinical features of diabetes with renal cysts and/or HNF1B-related conditions (PMID: 14583183, 22051731, 35643372, 36549658). It has also been observed to segregate with disease in related individuals. ClinVar contains an entry for this variant (Variation ID: 598272). Invitae Evidence Modeling of protein sequence and biophysical properties (such as structural, functional, and spatial information, amino acid conservation, physicochemical variation, residue mobility, and thermodynamic stability) indicates that this missense variant is not expected to disrupt HNF1B protein function with a negative predictive value of 80%. Experimental studies have shown that this missense change does not substantially affect HNF1B function (PMID: 14583183). In summary, the available evidence is currently insufficient to determine the role of this variant in disease. Therefore, it has been classified as a Variant of Uncertain Significance.

Fulgent Genetics
Classification: Uncertain significance for Type 2 diabetes mellitus; Renal cysts and diabetes syndrome; Nonpapillary renal cell carcinoma. Last evaluated: 2024-05-25. Review status: criteria provided, single submitter. Criteria: ACMG Guidelines, 2015. Collection method: clinical testing. Allele origin: germline.

Women's Health and Genetics/Laboratory Corporation of America, LabCorp
Classification: Uncertain significance. Last evaluated: 2023-08-30. Review status: criteria provided, single submitter. Criteria: LabCorp Variant Classification Summary - May 2015. Collection method: clinical testing. Allele origin: germline.
Comment: Variant summary: HNF1B c.780G>C (p.Glu260Asp) results in a conservative amino acid change located in the Homeobox domain (IPR001356) of the encoded protein sequence. Four of five in-silico tools predict a damaging effect of the variant on protein function. The variant allele was found at a frequency of 7.4e-05 in 282886 control chromosomes, predominantly at a frequency of 0.001 within the East Asian subpopulation in the gnomAD database. The observed variant frequency within East Asian control individuals in the gnomAD database is approximately 400 fold of the estimated maximal expected allele frequency for a pathogenic variant in HNF1B causing Maturity Onset Diabetes Of The Young 5 (Renal Cysts And Diabetes Syndrome) phenotype (2.5e-06), strongly suggesting that the variant is a benign polymorphism found primarily in populations of East Asian origin. c.780G>C has been reported in the literature in individuals affected with Maturity Onset Diabetes Of The Young 5 (Renal Cysts And Diabetes Syndrome) (So_2003, Wang_2011, Wu_2018, Wopperer_2022, Liu_2022) and this variant co-segregated with HNF-1b-MODY phenotype in one family (Wang_2011). These data indicate that the variant is likely to be associated with disease. At least one publication reports experimental evidence evaluating an impact on protein function. These results showed no damaging effect of this variant (So_2003). The following publications have been ascertained in the context of this evaluation (PMID: 14583183, 22051731, 35643372, 30548481, 36549658). Four submitters have cited clinical-significance assessments for this variant to ClinVar after 2014 and classified this variant as uncertain significance (n=3) and benign (n=1). Based on the evidence outlined above, the variant was classified as uncertain significance.

Athena Diagnostics
Classification: Benign. Last evaluated: 2020-02-13. Review status: criteria provided, single submitter. Criteria: Athena Diagnostics Criteria. Collection method: clinical testing. Allele origin: unknown.

Institute of Human Genetics, FAU Erlangen, Friedrich-Alexander-Universität Erlangen-Nürnberg
Classification: Uncertain significance for Renal cysts and diabetes syndrome. Last evaluated: 2019-07-06. Review status: criteria provided, single submitter. Criteria: ACMG Guidelines, 2015. Collection method: literature only. Allele origin: germline. Affected: yes.
Comment: This variant and it's classification has been reported by Vasileiou et al. 2019; DOI:10.1101/576918. The variants has previously been reported in PMID:25700310; PMID:15660195; PMID:25705165; PMID:25536396; PMID:14583183 as "c.780G>C; c.780G>C; E260D, GAG-->GAC" with clinical significance Pathogenic. It has been re-classified using InterVar and manual curation as Uncertain significance based on PM1 PP3 PP5 BP6.

Eurofins Ntd Llc (ga)
Classification: Uncertain significance. Last evaluated: 2018-08-08. Review status: criteria provided, single submitter. Criteria: EGL ClinVar v180209 classification definitions. Collection method: clinical testing. Allele origin: germline. Observed: 2 variant alleles, 2 heterozygotes.

Literature cited by the submitters: PubMed 14583183 (cited by 5 submitters); PubMed 22051731 (cited by 4 submitters); PubMed 35643372 (cited by 3 submitters); PubMed 36549658 (cited by 3 submitters); PubMed 30548481 (cited by Women's Health and Genetics/Laboratory Corporation of America, LabCorp); PubMed 25700310 (cited by Institute of Human Genetics, FAU Erlangen, Friedrich-Alexander-Universität Erlangen-Nürnberg); PubMed 15660195 (cited by Institute of Human Genetics, FAU Erlangen, Friedrich-Alexander-Universität Erlangen-Nürnberg); PubMed 25705165 (cited by Institute of Human Genetics, FAU Erlangen, Friedrich-Alexander-Universität Erlangen-Nürnberg); PubMed 25536396 (cited by Institute of Human Genetics, FAU Erlangen, Friedrich-Alexander-Universität Erlangen-Nürnberg); DOI 10.1101/576918 (cited by Institute of Human Genetics, FAU Erlangen, Friedrich-Alexander-Universität Erlangen-Nürnberg).

NM_000458.4(HNF1B):c.780G>C (p.Glu260Asp)

Genes: HNF1B (HNF1 homeobox B; minus strand), LOC126862549 (BRD4-independent group 4 enhancer GRCh37_chr17:36093401-36094600; plus strand). Cytogenetic location: 17q12.
Variant type: single nucleotide variant.
Coding change: c.780G>C on transcript NM_000458.4 (MANE Select); coding-DNA position 780, G replaced by C.
Protein change: p.Glu260Asp; replaces glutamic acid 260 with aspartic acid.
Molecular consequence: missense variant.
Genome position (GRCh38, 1-based): chr17:37,733,586, C>G on the plus strand (G>C on the coding strand, the complement: HNF1B is on the minus strand). VCF-style: chr17-37733586-C-G. GRCh37 (hg19) VCF-style: chr17-36093579-C-G.
Other names: c.702G>C, p.Glu234Asp (NM_001165923.4, NM_001304286.2); short protein forms E260D, E234D.
Identifiers: ClinVar variation 598272 (VCV000598272.18), dbSNP rs536638039, ClinGen allele CA8519011.